The following is an entry in ClinVar:

ClinVar aggregate classification (germline): Likely pathogenic (1 of 4 stars; one submission).

Submission:

Baylor Genetics
Classification: Likely pathogenic. Last evaluated: 2018-11-01. Review status: criteria provided, single submitter. Criteria: ACMG CNV Guidelines, 2011. Collection method: clinical testing. Allele origin: germline. Affected: yes. Observed: 1 variant allele.
Comment: Duplications involving this region have been previously reported in patients with developmental delay, intellectual disability, muscular hypotonia and neuropsychiatric disorders, ADHD [PMID: 20506139, 22420048]

GRCh37/hg19 15q13.3(chr15:32067075-32514341)

Gene: CHRNA7 (cholinergic receptor nicotinic alpha 7 subunit). Cytogenetic location: 15q13.3.
Variant type: copy number gain.
Identifiers: ClinVar variation 625750 (VCV000625750.1).